The following is an entry in ClinVar:

ClinVar aggregate classification (germline): Pathogenic (1 of 4 stars; one submission).

Conditions:
Tuberous sclerosis 2 (TSC2). Identifiers: Orphanet 805, MedGen C1860707, MONDO:0013199, OMIM 613254.

Submission:

Labcorp Genetics (formerly Invitae), Labcorp
Classification: Pathogenic for Tuberous sclerosis 2. Last evaluated: 2023-09-19. Review status: criteria provided, single submitter. Criteria: Invitae Variant Classification Sherloc (09022015). Collection method: clinical testing. Allele origin: germline.
Comment: For these reasons, this variant has been classified as Pathogenic. This variant has not been reported in the literature in individuals affected with TSC2-related conditions. This variant is not present in population databases (gnomAD no frequency). This sequence change creates a premature translational stop signal (p.Ser1514Glyfs*13) in the TSC2 gene. It is expected to result in an absent or disrupted protein product. Loss-of-function variants in TSC2 are known to be pathogenic (PMID: 10205261, 17304050).

Literature cited by the submitters: PubMed 10205261; PubMed 17304050.

NM_000548.5(TSC2):c.4539_4540insGGGCGACGAG (p.Ser1514fs)

Gene: TSC2 (TSC complex subunit 2; plus strand). Cytogenetic location: 16p13.3.
Variant type: Insertion.
Coding change: c.4539_4540insGGGCGACGAG on transcript NM_000548.5 (MANE Select); coding-DNA positions 4539 to 4540, GGGCGACGAG inserted.
Protein change: p.Ser1514fs; shifts the reading frame from serine 1514.
Molecular consequence: frameshift variant. On other transcripts: non-coding transcript variant (5).
Genome position: GRCh38 VCF-style: chr16-2084987-T-TGGCGACGAGG. GRCh37 (hg19) VCF-style: chr16-2134988-T-TGGCGACGAGG.
Other names: c.4338_4339insGGGCGACGAG, p.Ser1447fs (NM_001077183.3); c.4470_4471insGGGCGACGAG, p.Ser1491fs (NM_001114382.3); c.4230_4231insGGGCGACGAG, p.Ser1411fs (NM_001318827.2); c.4194_4195insGGGCGACGAG, p.Ser1399fs (NM_001318829.2); c.3807_3808insGGGCGACGAG, p.Ser1270fs (NM_001318831.2); c.4371_4372insGGGCGACGAG, p.Ser1458fs (NM_001318832.2); c.4329_4330insGGGCGACGAG, p.Ser1444fs (NM_001406671.1); c.4326_4327insGGGCGACGAG, p.Ser1443fs (NM_001406673.1); and 26 more; short protein forms S1248fs, S1270fs, S1291fs, S1411fs, S1470fs, S1477fs, S1478fs, S1488fs.
Identifiers: ClinVar variation 2761884 (VCV002761884.3), dbSNP rs2544305978, ClinGen allele CA2697549580.